The following is an entry in ClinVar:

NM_138927.4(SON):c.5654C>T (p.Ser1885Phe)

Gene: SON (SON DNA and RNA binding protein; plus strand). Cytogenetic location: 21q22.11.
Variant type: single nucleotide variant.
Coding change: c.5654C>T on transcript NM_138927.4 (MANE Select); coding-DNA position 5654, C replaced by T.
Protein change: p.Ser1885Phe; replaces serine 1885 with phenylalanine.
Molecular consequence: missense variant. On other transcripts: non-coding transcript variant (1), intron variant (1).
Genome position (GRCh38, 1-based): chr21:33,554,885, C>T. VCF-style: chr21-33554885-C-T. GRCh37 (hg19) VCF-style: chr21-34927191-C-T.
Other names: c.5654C>T, p.Ser1885Phe (NM_001291411.2, NM_032195.3); c.245-2271C>T (NM_001291412.3); short protein forms S1885F.
Identifiers: ClinVar variation 5041688 (VCV005041688.1).

ClinVar aggregate classification (germline): Uncertain significance (1 of 4 stars; one submission).

Submission:

CeGaT Center for Human Genetics Tuebingen
Classification: Uncertain significance. Last evaluated: 2026-09-01. Review status: criteria provided, single submitter. Criteria: CeGaT Center For Human Genetics Tuebingen Variant Classification Criteria Version 2. Collection method: clinical testing. Allele origin: germline. Affected: yes. Observed: 1 variant allele.
Comment: SON: PM2